The following is an entry in ClinVar:

ClinVar aggregate classification (germline): Likely pathogenic (1 of 4 stars; one submission).

Conditions:
Bainbridge-Ropers syndrome. Also called: Severe feeding difficulties-failure to thrive-microcephaly due to ASXL3 deficiency syndrome. Identifiers: Orphanet 352577, MedGen C4750837, MONDO:0014205, OMIM 615485.

Submission:

Variantyx, Inc.
Classification: Likely pathogenic for Bainbridge-Ropers syndrome. Last evaluated: 2026-01-07. Review status: criteria provided, single submitter. Criteria: Variantyx Assertion Criteria 2022. Collection method: clinical testing. Allele origin: germline. Inheritance: Autosomal dominant inheritance. Affected: yes.
Comment: This is a frameshift variant in the ASXL3 gene (OMIM: 615115). Pathogenic variants in this gene have been associated with autosomal dominant Bainbridge-Ropers syndrome. This variant introduces a premature termination codon in exon 11 out of 12a nd is expected to result in loss of function, which is a known disease mechanism for ASXL3 in this disorder (PMID: 28100473, 26647312, 23383720, 27901041) (PVS1). This variant is absent from control populations (PM2) and it has not been reported in individuals with ASXL3-related disorders in the databases available for review. Based on the current evidence, this variant is classified as likely pathogenic for autosomal dominant Bainbridge-Ropers syndrome.

Literature cited by the submitters: PubMed 28100473; PubMed 26647312; PubMed 23383720; PubMed 27901041.

NM_030632.3(ASXL3):c.2595_2601del (p.Asn865fs)

Gene: ASXL3 (ASXL transcriptional regulator 3; plus strand). Cytogenetic location: 18q12.1.
Variant type: Deletion.
Coding change: c.2595_2601del on transcript NM_030632.3 (MANE Select); coding-DNA positions 2595 to 2601, 7 bases deleted (TCATAGC; older notation c.2595_2601delTCATAGC).
Protein change: p.Asn865fs; shifts the reading frame from asparagine 865.
Molecular consequence: frameshift variant.
Genome position (GRCh38, 1-based): chr18:33,739,999-33,740,005, TCATAGC deleted. VCF-style (leftmost placement, unchanged base first): chr18-33739998-ATCATAGC-A. GRCh37 (hg19) VCF-style: chr18-31319962-ATCATAGC-A.
Other names: short protein forms N865fs.
Identifiers: ClinVar variation 4850739 (VCV004850739.1).